The following is an entry in ClinVar:

NM_001365951.3(KIF1B):c.4380G>C (p.Arg1460Ser)

Gene: KIF1B (kinesin family member 1B; plus strand). Cytogenetic location: 1p36.22.
Variant type: single nucleotide variant.
Coding change: c.4380G>C on transcript NM_001365951.3 (MANE Select); coding-DNA position 4380, G replaced by C.
Protein change: p.Arg1460Ser; replaces arginine 1460 with serine.
Molecular consequence: missense variant.
Genome position (GRCh38, 1-based): chr1:10,365,113, G>C. VCF-style: chr1-10365113-G-C. GRCh37 (hg19) VCF-style: chr1-10425171-G-C.
Other names: c.4380G>C, p.Arg1460Ser (NM_001365952.1); c.4242G>C, p.Arg1414Ser (NM_015074.3); short protein forms R1414S, R1460S.
Identifiers: ClinVar variation 3533887 (VCV003533887.1).
Genomic context (GRCh38, chr1:10,365,113, plus strand): 5'-AATTGAATTTTTTTTCTGAAACAAAAACTTGTTTCCTCTTGTCTTAGGTATGCAGAGAAG[G>C]AGAAGAAAAATCTTAGATACGTCAGTGGCATATGTGCGGGGAGAAGAGAACTTAGCAGGC-3'
Protein context (NP_001352880.1, residues 1450-1470): SDTGSPGMQR[Arg1460Ser]RRKILDTSVA

ClinVar aggregate classification (germline): Uncertain significance (1 of 4 stars; one submission).

Submission:

Ambry Genetics
Classification: Uncertain significance. Last evaluated: 2024-09-08. Review status: criteria provided, single submitter. Criteria: Ambry Variant Classification Scheme 2023. Collection method: clinical testing. Allele origin: germline.
Comment: The p.R1414S variant (also known as c.4242G>C), located in coding exon 39 of the KIF1B gene, results from a G to C substitution at nucleotide position 4242. The arginine at codon 1414 is replaced by serine, an amino acid with dissimilar properties. This amino acid position is conserved. In addition, this alteration is predicted to be deleterious by in silico analysis. Based on the available evidence, the clinical significance of this variant remains unclear.